The following is an entry in ClinVar:

ClinVar aggregate classification (germline): Uncertain significance (1 of 4 stars; one submission).

gnomAD v4.1: 1 of 1,597,128 alleles (0.000063%); highest among the groups gnomAD compares: Non-Finnish European, 0.000085%; no homozygotes.

Submission:

Labcorp Genetics (formerly Invitae), Labcorp
Classification: Uncertain significance. Last evaluated: 2024-03-13. Review status: criteria provided, single submitter. Criteria: Invitae Variant Classification Sherloc (09022015). Collection method: clinical testing. Allele origin: germline.
Comment: This sequence change replaces lysine, which is basic and polar, with isoleucine, which is neutral and non-polar, at codon 590 of the DNA2 protein (p.Lys590Ile). This variant is not present in population databases (gnomAD no frequency). This variant has not been reported in the literature in individuals affected with DNA2-related conditions. Advanced modeling of protein sequence and biophysical properties (such as structural, functional, and spatial information, amino acid conservation, physicochemical variation, residue mobility, and thermodynamic stability) has been performed at Invitae for this missense variant, however the output from this modeling did not meet the statistical confidence thresholds required to predict the impact of this variant on DNA2 protein function. In summary, the available evidence is currently insufficient to determine the role of this variant in disease. Therefore, it has been classified as a Variant of Uncertain Significance.

NM_001080449.3(DNA2):c.1769A>T (p.Lys590Ile)

Gene: DNA2 (DNA replication helicase/nuclease 2; minus strand). Cytogenetic location: 10q21.3.
Variant type: single nucleotide variant.
Coding change: c.1769A>T on transcript NM_001080449.3 (MANE Select); coding-DNA position 1769, A replaced by T.
Protein change: p.Lys590Ile; replaces lysine 590 with isoleucine.
Molecular consequence: missense variant. On other transcripts: non-coding transcript variant (1).
Genome position (GRCh38, 1-based): chr10:68,432,310, T>A on the plus strand (A>T on the coding strand, the complement: DNA2 is on the minus strand). VCF-style: chr10-68432310-T-A. GRCh37 (hg19) VCF-style: chr10-70192067-T-A.
Other names: short protein forms K590I.
Identifiers: ClinVar variation 3644521 (VCV003644521.2).
Genomic context (GRCh38, chr10:68,432,310, plus strand): 5'-ACAGAACTAAGGTAGGATATAAACTGAGGTTCACGAAAGTCAATAATTAAATCTCGAAGT[T>A]TTTTGCTGAAAAGTGAAAAAGCACTTTTAGTAATATTCCTTAGAAAAGTGGAGTGAAATT-3'
Protein context (NP_001073918.2, residues 580-600): KLMENTFVSK[Lys590Ile]LRDLIIDFRE